The following is an entry in ClinVar:

ClinVar aggregate classification (germline): Uncertain significance. Review status: criteria provided, single submitter (1 of 4 stars). 2 submissions from 2 submitters: Uncertain significance (1). 1 of the submissions does not count toward it. Last evaluated 2022-02-07.

Conditions:
Ovarian dysgenesis 2 (ODG2). Also called: OVARIAN DYSGENESIS, HYPERGONADOTROPIC, X-LINKED; OVARIAN FAILURE, HYPERGONADOTROPIC, DUE TO OVARIAN DYSGENESIS. Identifiers: Orphanet 243, MedGen C1845294, MONDO:0010349, OMIM 300510.

Allele frequency attached by ClinVar (database versions not stated): ExAC 0.00002; gnomAD exomes 0.00002; TOPMed 0.00002.
gnomAD v4.1: 9 of 1,208,940 alleles (0.00074%); highest among the groups gnomAD compares: Middle Eastern, 0.023%; no homozygotes.

Submissions (2):

GeneDx
Classification: Uncertain significance. Last evaluated: 2022-02-07. Review status: criteria provided, single submitter. Criteria: GeneDx Variant Classification Process June 2021. Collection method: clinical testing. Allele origin: germline. Affected: yes.
Comment: Published functional studies demonstrate significantly reduced activation of the SMAD pathways (Rossetti et al., 2020); In silico analysis supports that this missense variant has a deleterious effect on protein structure/function; This variant is associated with the following publications: (PMID: 19438907, 31957178, 29544636, 34426522)

Lab of Endocrine and Metabolic Research, Istituto Auxologico Italiano
Classification: Likely pathogenic for Ovarian dysgenesis 2. Last evaluated: 2019-12-01. Review status: no assertion criteria provided. Collection method: research. Allele origin: germline. Affected: yes. Not counted in ClinVar's aggregate classification.

Literature cited by the submitters: PubMed 31957178 (cited by Lab of Endocrine and Metabolic Research, Istituto Auxologico Italiano).

NM_005448.2(BMP15):c.985C>T (p.Arg329Cys)

Gene: BMP15 (bone morphogenetic protein 15; plus strand). Cytogenetic location: Xp11.22.
Variant type: single nucleotide variant.
Coding change: c.985C>T on transcript NM_005448.2 (MANE Select); coding-DNA position 985, C replaced by T.
Protein change: p.Arg329Cys; replaces arginine 329 with cysteine.
Molecular consequence: missense variant.
Genome position (GRCh38, 1-based): chrX:50,916,413, C>T. VCF-style: chrX-50916413-C-T. GRCh37 (hg19) VCF-style: chrX-50659413-C-T.
Other names: short protein forms R329C.
Identifiers: ClinVar variation 973168 (VCV000973168.4), dbSNP rs782375794, ClinGen allele CA10416628.